The following is an entry in ClinVar:

ClinVar aggregate classification (germline): Uncertain significance (1 of 4 stars; one submission).

Conditions:
Inborn genetic diseases. Identifiers: MedGen C0950123, MeSH D030342.

Submission:

Ambry Genetics
Classification: Uncertain significance for Inborn genetic diseases. Last evaluated: 2023-04-03. Review status: criteria provided, single submitter. Criteria: Ambry Variant Classification Scheme 2023. Collection method: clinical testing. Allele origin: germline.
Comment: The p.A144T variant (also known as c.430G>A), located in coding exon 6 of the ERCC2 gene, results from a G to A substitution at nucleotide position 430. The alanine at codon 144 is replaced by threonine, an amino acid with similar properties. This amino acid position is conserved. In addition, this alteration is predicted to be tolerated by in silico analysis. Since supporting evidence is limited at this time, the clinical significance of this alteration remains unclear.

NM_000400.4(ERCC2):c.430G>A (p.Ala144Thr)

Gene: ERCC2 (ERCC excision repair 2, TFIIH core complex helicase subunit; minus strand). Cytogenetic location: 19q13.32.
Variant type: single nucleotide variant.
Coding change: c.430G>A on transcript NM_000400.4 (MANE Select); coding-DNA position 430, G replaced by A.
Protein change: p.Ala144Thr; replaces alanine 144 with threonine.
Molecular consequence: missense variant.
Genome position (GRCh38, 1-based): chr19:45,365,089, C>T on the plus strand (G>A on the coding strand, the complement: ERCC2 is on the minus strand). VCF-style: chr19-45365089-C-T. GRCh37 (hg19) VCF-style: chr19-45868347-C-T.
Other names: c.358G>A, p.Ala120Thr (NM_001130867.2); short protein forms A144T, A120T.
Identifiers: ClinVar variation 2562294 (VCV002562294.2), dbSNP rs2514034988, ClinGen allele CA406375983.